The following is an entry in ClinVar:

ClinVar aggregate classification (germline): Uncertain significance (1 of 4 stars; one submission).

Submission:

Labcorp Genetics (formerly Invitae), Labcorp
Classification: Uncertain significance. Last evaluated: 2024-02-08. Review status: criteria provided, single submitter. Criteria: Invitae Variant Classification Sherloc (09022015). Collection method: clinical testing. Allele origin: germline.
Comment: This sequence change affects codon 92 of the CD81 mRNA. It is a 'silent' change, meaning that it does not change the encoded amino acid sequence of the CD81 protein. This variant is not present in population databases (gnomAD no frequency). This variant has not been reported in the literature in individuals affected with CD81-related conditions. Algorithms developed to predict the effect of sequence changes on RNA splicing suggest that this variant may create or strengthen a splice site. In summary, the available evidence is currently insufficient to determine the role of this variant in disease. Therefore, it has been classified as a Variant of Uncertain Significance.

NM_004356.4(CD81):c.276G>T (p.Gly92=)

Gene: CD81 (CD81 molecule; plus strand). Cytogenetic location: 11p15.5.
Variant type: single nucleotide variant.
Coding change: c.276G>T on transcript NM_004356.4 (MANE Select); coding-DNA position 276, G replaced by T.
Protein change: p.Gly92=; no amino-acid change (glycine 92 retained).
Molecular consequence: synonymous variant.
Genome position (GRCh38, 1-based): chr11:2,394,189, G>T. VCF-style: chr11-2394189-G-T. GRCh37 (hg19) VCF-style: chr11-2415419-G-T.
Other names: c.63G>T, p.Gly21= (NM_001297649.2, NM_001425129.1, NM_001425130.1 and 4 more transcripts); c.276G>T, p.Gly92= (NM_001425135.1, NM_001425137.1).
Identifiers: ClinVar variation 3637939 (VCV003637939.2).